The following is an entry in ClinVar:

ClinVar aggregate classification (germline): Uncertain significance. Review status: criteria provided, multiple submitters, no conflicts (2 of 4 stars). 2 submissions from 2 submitters: Uncertain significance (2). Last evaluated 2022-10-05.

Allele frequency attached by ClinVar (database versions not stated): gnomAD 0.00001 and 0.00003; TOPMed 0.00008.
gnomAD v4.1: 56 of 1,179,862 alleles (0.0047%); highest among the groups gnomAD compares: Middle Eastern, 0.14%; no homozygotes.

Submissions (2):

Labcorp Genetics (formerly Invitae), Labcorp
Classification: Uncertain significance. Last evaluated: 2022-10-05. Review status: criteria provided, single submitter. Criteria: Invitae Variant Classification Sherloc (09022015). Collection method: clinical testing. Allele origin: germline.
Comment: This sequence change replaces serine, which is neutral and polar, with phenylalanine, which is neutral and non-polar, at codon 3 of the ATOH7 protein (p.Ser3Phe). This variant is not present in population databases (gnomAD no frequency). This variant has not been reported in the literature in individuals affected with ATOH7-related conditions. ClinVar contains an entry for this variant (Variation ID: 1052724). Algorithms developed to predict the effect of missense changes on protein structure and function are either unavailable or do not agree on the potential impact of this missense change (SIFT: "Deleterious"; PolyPhen-2: "Benign"; Align-GVGD: "Class C0"). In summary, the available evidence is currently insufficient to determine the role of this variant in disease. Therefore, it has been classified as a Variant of Uncertain Significance.

Ambry Genetics
Classification: Uncertain significance. Last evaluated: 2021-07-13. Review status: criteria provided, single submitter. Criteria: Ambry Variant Classification Scheme 2023. Collection method: clinical testing. Allele origin: germline.

NM_145178.4(ATOH7):c.8C>T (p.Ser3Phe)

Gene: ATOH7 (atonal bHLH transcription factor 7; minus strand). Cytogenetic location: 10q21.3.
Variant type: single nucleotide variant.
Coding change: c.8C>T on transcript NM_145178.4 (MANE Select); coding-DNA position 8, C replaced by T.
Protein change: p.Ser3Phe; replaces serine 3 with phenylalanine.
Molecular consequence: missense variant.
Genome position (GRCh38, 1-based): chr10:68,231,670, G>A on the plus strand (C>T on the coding strand, the complement: ATOH7 is on the minus strand). VCF-style: chr10-68231670-G-A. GRCh37 (hg19) VCF-style: chr10-69991427-G-A.
Other names: c.8C>T (NM_145178.2); short protein forms S3F.
Identifiers: ClinVar variation 1052724 (VCV001052724.5), dbSNP rs1032692523, ClinGen allele CA208210081.